The following is an entry in ClinVar:

ClinVar aggregate classification (germline): Pathogenic (1 of 4 stars; one submission).

Submission:

Labcorp Genetics (formerly Invitae), Labcorp
Classification: Pathogenic. Last evaluated: 2025-12-14. Review status: criteria provided, single submitter. Criteria: Invitae Variant Classification Sherloc (09022015). Collection method: clinical testing. Allele origin: germline.
Comment: This sequence change creates a premature translational stop signal (p.Glu38Glyfs*3) in the MARVELD2 gene. It is expected to result in an absent or disrupted protein product. Loss-of-function variants in MARVELD2 are known to be pathogenic (PMID: 17186462). This variant is not present in population databases (gnomAD no frequency). This variant has not been reported in the literature in individuals affected with MARVELD2-related conditions. For these reasons, this variant has been classified as Pathogenic.

Literature cited by the submitters: PubMed 17186462.

NM_001038603.3(MARVELD2):c.111_114del (p.Glu38fs)

Gene: MARVELD2 (MARVEL domain containing 2; plus strand). Cytogenetic location: 5q13.2.
Variant type: Deletion.
Coding change: c.111_114del on transcript NM_001038603.3 (MANE Select); coding-DNA positions 111 to 114, 4 bases deleted (TGAG; older notation c.111_114delTGAG).
Protein change: p.Glu38fs; shifts the reading frame from glutamic acid 38.
Molecular consequence: frameshift variant.
Genome position (GRCh38, 1-based): chr5:69,419,496-69,419,499, TGAG deleted; deleting any 4 consecutive bases within chr5:69,419,494-69,419,499 gives the same sequence; the c. name uses the placement nearest the transcript's 3' end. VCF-style (leftmost placement, unchanged base first): chr5-69419493-CAGTG-C. GRCh37 (hg19) VCF-style: chr5-68715320-CAGTG-C.
Other names: c.111_114del, p.Glu38fs (NM_001244734.2); short protein forms E38fs.
Identifiers: ClinVar variation 4711659 (VCV004711659.1).
Genomic context (GRCh38, chr5:69,419,493, plus strand): 5'-GGTCCCAAGCGACCTGCCCTATCAAGATACCACCATAAGAACCCACCCAACTCTTCATGA[CAGTG>C]AGCGGGCAGTGAGCGCTGATCCCTTGCCACCACCCCCTCTCCCATTACAGCCACCATTCG-3'